The following is an entry in ClinVar:

ClinVar aggregate classification (germline): Benign/Likely benign. Review status: criteria provided, multiple submitters, no conflicts (2 of 4 stars). 6 submissions from 6 submitters: Benign (2); Likely benign (3). 1 of the submissions does not count toward it. Last evaluated 2026-01-09.

Conditions:
CC2D1A-related disorder. Also called: CC2D1A-related condition.
Inborn genetic diseases. Identifiers: MedGen C0950123, MeSH D030342.

Allele frequency attached by ClinVar (database versions not stated): gnomAD exomes 0.00064; ExAC 0.00076; TOPMed 0.00254; ESP Exome Variant Server 0.00256; gnomAD 0.00256 and 0.00270; 1000 Genomes Project 0.00300; 1000 Genomes Project 30x 0.00312.
gnomAD v4.1: 715 of 1,613,628 alleles (0.044%); highest among the groups gnomAD compares: African/African-American, 0.82%; 2 homozygotes.

Submissions (6):

Labcorp Genetics (formerly Invitae), Labcorp
Classification: Benign. Last evaluated: 2026-01-09. Review status: criteria provided, single submitter. Criteria: Invitae Variant Classification Sherloc (09022015). Collection method: clinical testing. Allele origin: germline.

CeGaT Center for Human Genetics Tuebingen
Classification: Likely benign. Last evaluated: 2023-07-01. Review status: criteria provided, single submitter. Criteria: CeGaT Center For Human Genetics Tuebingen Variant Classification Criteria Version 2. Collection method: clinical testing. Allele origin: germline. Affected: yes. Observed: 1 variant allele.
Comment: CC2D1A: BP4

Ambry Genetics
Classification: Likely benign for Inborn genetic diseases. Last evaluated: 2022-02-01. Review status: criteria provided, single submitter. Criteria: Ambry Variant Classification Scheme 2023. Collection method: clinical testing. Allele origin: germline.

Center for Pediatric Genomic Medicine, Children's Mercy Hospital and Clinics
Classification: Likely benign. Last evaluated: 2016-12-06. Review status: criteria provided, single submitter. Criteria: ACMG Guidelines, 2015. Collection method: clinical testing. Allele origin: germline.
ClinVar note: Converted during submission from Likely Benign to Likely benign.

Genetic Services Laboratory, University of Chicago
Classification: Benign. Last evaluated: 2016-06-02. Review status: criteria provided, single submitter. Criteria: ACMG Guidelines, 2015. Collection method: clinical testing. Allele origin: germline. Affected: no.

PreventionGenetics, part of Exact Sciences
Classification: Benign for CC2D1A-related condition. Last evaluated: 2023-12-21. Review status: no assertion criteria provided. Collection method: clinical testing. Allele origin: germline. Not counted in ClinVar's aggregate classification.
Comment: This variant is classified as benign based on ACMG/AMP sequence variant interpretation guidelines (Richards et al. 2015 PMID: 25741868, with internal and published modifications).

NM_017721.5(CC2D1A):c.2440G>T (p.Ala814Ser)

Gene: CC2D1A (coiled-coil and C2 domain containing 1A; plus strand). Cytogenetic location: 19p13.12.
Variant type: single nucleotide variant.
Coding change: c.2440G>T on transcript NM_017721.5 (MANE Select); coding-DNA position 2440, G replaced by T.
Protein change: p.Ala814Ser; replaces alanine 814 with serine.
Molecular consequence: missense variant.
Genome position (GRCh38, 1-based): chr19:13,928,016, G>T. VCF-style: chr19-13928016-G-T. GRCh37 (hg19) VCF-style: chr19-14038829-G-T.
Other names: short protein forms A814S.
Identifiers: ClinVar variation 377164 (VCV000377164.43), dbSNP rs56359259, ClinGen allele CA9245061.
Genomic context (GRCh38, chr19:13,928,016, plus strand): 5'-CTGACAGCCCAGCAGTTGGAGACGACGACAGAGAGGTGGCTGGTCATTGACCCTGTGCCG[G>T]CAGCTGTGCCCACAGTGAGACCCCCCACCCCCACCCATCAGCAACCCCAGGGAGGGAAGC-3'
Protein context (NP_060191.3, residues 804-824): ERWLVIDPVP[Ala814Ser]AVPTQVAGPK